The following is an entry in ClinVar:

ClinVar aggregate classification (germline): Conflicting classifications of pathogenicity. Review status: criteria provided, conflicting classifications (1 of 4 stars). 3 submissions from 3 submitters: Uncertain significance (2); Likely benign (1). Last evaluated 2021-08-24.

Conditions:
Loeys-Dietz syndrome 2 (LDS2). Also called: TGFBR2-Related Loeys-Dietz Syndrome; Marfan syndrome, type 2 (formerly); Marfan Syndrome type 2; Marfan like connective tissue disorder; MFS 2; AORTIC ANEURYSM, FAMILIAL THORACIC 3. Identifiers: Orphanet 284973, Orphanet 558, MedGen C2674574, MONDO:0012427, OMIM 610168.
Colorectal cancer, hereditary nonpolyposis, type 6. Also called: Colon cancer, hereditary nonpolyposis, type 6; Colon cancer, hereditary nonpolyposis, type 6, somatic. Identifiers: Orphanet 144, MedGen C1860896, MONDO:0013695, OMIM 614331.
Malignant tumor of esophagus. Also called: Esophageal cancer, somatic; Esophageal cancer. Identifiers: Orphanet 99977, MedGen C0546837, MONDO:0007576, OMIM 133239.
Diabetic retinopathy. Identifiers: MedGen C0011884, MONDO:0005266.
Familial thoracic aortic aneurysm and aortic dissection (TAAD). Also called: Thoracic aortic aneurysms and dissections. Identifiers: Orphanet 91387, MedGen C4707243, MONDO:0019625.

Allele frequency attached by ClinVar (database versions not stated): TOPMed 0.00011; gnomAD exomes 0.00015; gnomAD 0.00006.
gnomAD v4.1: 34 of 319,508 alleles (0.011%); highest among the groups gnomAD compares: Non-Finnish European, 0.017%; no homozygotes.

Submissions (3):

Fulgent Genetics
Classification: Uncertain significance for Malignant tumor of esophagus; Loeys-Dietz syndrome 2; Colorectal cancer, hereditary nonpolyposis, type 6. Last evaluated: 2021-08-24. Review status: criteria provided, single submitter. Criteria: ACMG Guidelines, 2015. Collection method: clinical testing. Allele origin: unknown.

CHEO Genetics Diagnostic Laboratory, Children's Hospital of Eastern Ontario
Classification: Uncertain significance for Familial thoracic aortic aneurysm and aortic dissection. Last evaluated: 2017-05-19. Review status: criteria provided, single submitter. Criteria: ACMG Guidelines, 2015. Collection method: clinical testing. Allele origin: germline. Study: Canadian Open Genetics Repository.

Clinical Genomics, Uppaluri K&H Personalized Medicine Clinic
Classification: Likely benign for Diabetic retinopathy. Review status: criteria provided, single submitter. Criteria: K And H Uppaluri Personalized Medicine Clinic Variant Classification And Assertion Criteria Updated V 2. Collection method: research. Allele origin: unknown.
Comment: Potent mutations in TGFBR2 gene encodes the transforming growth factor that have been associated with angiogenesis and diabetic retinopathy. More clinical studies are needed for stronger association. However, more evidence is required to confer the association of this particular variant rs749340193 with diabetic retinopathy.

Literature cited by the submitters: PubMed 30222965 (cited by Clinical Genomics, Uppaluri K&H Personalized Medicine Clinic); PubMed 28162229 (cited by Clinical Genomics, Uppaluri K&H Personalized Medicine Clinic); PubMed 34572573 (cited by Clinical Genomics, Uppaluri K&H Personalized Medicine Clinic).

NM_003242.6(TGFBR2):c.-307C>T

Gene: TGFBR2 (transforming growth factor beta receptor 2; plus strand). Cytogenetic location: 3p24.1.
Variant type: single nucleotide variant.
Coding change: c.-307C>T on transcript NM_003242.6 (MANE Select); 307 bases upstream of the start codon, C replaced by T.
Molecular consequence: genic upstream transcript variant. On other transcripts: 5 prime UTR variant (2).
Genome position (GRCh38, 1-based): chr3:30,606,577, C>T. VCF-style: chr3-30606577-C-T. GRCh37 (hg19) VCF-style: chr3-30648069-C-T.
Other names: c.-307C>T (NM_001024847.2); c.-28C>T (NM_001407129.1, NM_001407132.1).
Identifiers: ClinVar variation 344648 (VCV000344648.10), dbSNP rs749340193, ClinGen allele CA10616068.